The following is an entry in ClinVar:

ClinVar aggregate classification (germline): Uncertain significance (1 of 4 stars; one submission).

Conditions:
Evans syndrome, immunodeficiency, and premature immunosenescence associated with tripeptidyl-peptidase II deficiency. Identifiers: MedGen CN231723. Disease mechanism: loss of function.

Allele frequency attached by ClinVar (database versions not stated): gnomAD exomes below 0.00001 and 0.00001; TOPMed below 0.00001; gnomAD 0.00001; ESP Exome Variant Server 0.00008.
gnomAD v4.1: 3 of 1,611,572 alleles (0.00019%); highest among the groups gnomAD compares: Non-Finnish European, 0.00025%; no homozygotes.

Submission:

Labcorp Genetics (formerly Invitae), Labcorp
Classification: Uncertain significance for Evans syndrome, immunodeficiency, and premature immunosenescence associated with tripeptidyl-peptidase II deficiency. Last evaluated: 2025-10-21. Review status: criteria provided, single submitter. Criteria: Invitae Variant Classification Sherloc (09022015). Collection method: clinical testing. Allele origin: germline.
Comment: This sequence change replaces methionine, which is neutral and non-polar, with threonine, which is neutral and polar, at codon 314 of the TPP2 protein (p.Met314Thr). This variant is present in population databases (rs140850782, gnomAD 0.0009%). This variant has not been reported in the literature in individuals affected with TPP2-related conditions. ClinVar contains an entry for this variant (Variation ID: 1385451). An algorithm developed to predict the effect of missense changes on protein structure and function (PolyPhen-2) suggests that this variant is likely to be disruptive. Algorithms developed to predict the effect of sequence changes on RNA splicing suggest that this variant may disrupt the consensus splice site. In summary, the available evidence is currently insufficient to determine the role of this variant in disease. Therefore, it has been classified as a Variant of Uncertain Significance.

NM_001330588.2(TPP2):c.941T>C (p.Met314Thr)

Gene: TPP2 (tripeptidyl peptidase 2; plus strand). Cytogenetic location: 13q33.1.
Variant type: single nucleotide variant.
Coding change: c.941T>C on transcript NM_001330588.2 (MANE Select); coding-DNA position 941, T replaced by C.
Protein change: p.Met314Thr; replaces methionine 314 with threonine.
Molecular consequence: missense variant. On other transcripts: non-coding transcript variant (1).
Genome position (GRCh38, 1-based): chr13:102,627,849, T>C. VCF-style: chr13-102627849-T-C. GRCh37 (hg19) VCF-style: chr13-103280199-T-C.
Other names: c.941T>C, p.Met314Thr (NM_001367947.1, NM_003291.4); short protein forms M314T.
Identifiers: ClinVar variation 1385451 (VCV001385451.6), dbSNP rs140850782, ClinGen allele CA255160702.